The following is an entry in ClinVar:

ClinVar aggregate classification (germline): Uncertain significance. Review status: criteria provided, multiple submitters, no conflicts (2 of 4 stars). 3 submissions from 3 submitters: Uncertain significance (3). Last evaluated 2025-09-05.

Conditions:
Malignant hyperthermia, susceptibility to, 1 (MHS1). Also called: Anesthesia related hyperthermia; Malignant hyperpyrexia; Fulminating hyperpyrexia; Pharmacogenic myopathy; RYR1-Related Malignant Hyperthermia Susceptibility; Malignant hyperthermia suceptibility 1. Identifiers: Orphanet 423, MedGen C2930980, MONDO:0007783, OMIM 145600.
RYR1-related disorder. Also called: RYR1-related condition; RYR1-related disorders. Identifiers: MedGen CN239331.

Allele frequency attached by ClinVar (database versions not stated): ExAC 0.00002; gnomAD exomes 0.00002; ESP Exome Variant Server 0.00008.
gnomAD v4.1: 26 of 1,612,514 alleles (0.0016%); highest among the groups gnomAD compares: Non-Finnish European, 0.0022%; no homozygotes.

Submissions (3):

Color Diagnostics, LLC DBA Color Health
Classification: Uncertain significance for Malignant hyperthermia, susceptibility to, 1. Last evaluated: 2025-09-05. Review status: criteria provided, single submitter. Criteria: ACMG Guidelines, 2015. Collection method: clinical testing. Allele origin: germline.
Comment: This missense variant replaces threonine with isoleucine at codon 2938 of the RYR1 protein. Computational prediction is inconclusive regarding the impact of this variant on protein structure and function. To our knowledge, functional studies have not been reported for this variant. This variant has not been reported in individuals affected with RYR1-related disorders in the literature. This variant has been identified in 2/251088 chromosomes in the general population by the Genome Aggregation Database (gnomAD). The available evidence is insufficient to determine the role of this variant in disease conclusively. Therefore, this variant is classified as a Variant of Uncertain Significance.

Labcorp Genetics (formerly Invitae), Labcorp
Classification: Uncertain significance for RYR1-related disorder. Last evaluated: 2024-08-13. Review status: criteria provided, single submitter. Criteria: Invitae Variant Classification Sherloc (09022015). Collection method: clinical testing. Allele origin: germline.
Comment: This sequence change replaces threonine, which is neutral and polar, with isoleucine, which is neutral and non-polar, at codon 2938 of the RYR1 protein (p.Thr2938Ile). This variant is present in population databases (rs376494159, gnomAD 0.002%). This variant has not been reported in the literature in individuals affected with RYR1-related conditions. Invitae Evidence Modeling of protein sequence and biophysical properties (such as structural, functional, and spatial information, amino acid conservation, physicochemical variation, residue mobility, and thermodynamic stability) has been performed for this missense variant. However, the output from this modeling did not meet the statistical confidence thresholds required to predict the impact of this variant on RYR1 protein function. In summary, the available evidence is currently insufficient to determine the role of this variant in disease. Therefore, it has been classified as a Variant of Uncertain Significance.

All of Us Research Program, National Institutes of Health
Classification: Uncertain significance for Malignant hyperthermia, susceptibility to, 1. Last evaluated: 2024-05-09. Review status: criteria provided, single submitter. Criteria: ACMG Guidelines, 2015. Collection method: clinical testing. Allele origin: germline. Inheritance: Autosomal dominant inheritance. Observed: 5 variant alleles, 5 heterozygotes.
Comment: This missense variant replaces threonine with isoleucine at codon 2938 of the RYR1 protein. Computational prediction is inconclusive regarding the impact of this variant on protein structure and function (internally defined REVEL score threshold 0.5 < inconclusive < 0.7, PMID: 27666373). To our knowledge, functional studies have not been reported for this variant. This variant has not been reported in individuals affected with RYR1-related disorders in the literature. This variant has been identified in 2/251088 chromosomes in the general population by the Genome Aggregation Database (gnomAD). The available evidence is insufficient to determine the role of this variant in disease conclusively. Therefore, this variant is classified as a Variant of Uncertain Significance.

This study involves interpretation of variants in research participants for the purpose of population health screening. Participant phenotype was not available at the time of variant classification. Additional details can be found in publication PMID: 35346344, PMCID: PMC8962531

NM_000540.3(RYR1):c.8813C>T (p.Thr2938Ile)

Gene: RYR1 (ryanodine receptor 1; plus strand). Cytogenetic location: 19q13.2.
Variant type: single nucleotide variant.
Coding change: c.8813C>T on transcript NM_000540.3 (MANE Select); coding-DNA position 8813, C replaced by T.
Protein change: p.Thr2938Ile; replaces threonine 2938 with isoleucine.
Molecular consequence: missense variant.
Genome position (GRCh38, 1-based): chr19:38,506,949, C>T. VCF-style: chr19-38506949-C-T. GRCh37 (hg19) VCF-style: chr19-38997589-C-T.
Other names: c.8813C>T, p.Thr2938Ile (NM_001042723.2); short protein forms T2938I.
Identifiers: ClinVar variation 3072931 (VCV003072931.4), dbSNP rs376494159, ClinGen allele CA072729.
Genomic context (GRCh38, chr19:38,506,949, plus strand): 5'-GAGATCGAGAGAAGGCCCAGGAGCTACTGAAATTCCTGCAGATGAATGGCTACGCGGTTA[C>T]AAGGCACGCGGGTTGGGGCTCCCGCGGAAGAGCAGCAGGCAGAACACACCCGGCAAAGGC-3'
Protein context (NP_000531.2, residues 2928-2948): KFLQMNGYAV[Thr2938Ile]RGLKDMELDS